The following is an entry in ClinVar:

NM_003924.4(PHOX2B):c.137C>G (p.Pro46Arg)

Genes: PHOX2B (paired like homeobox 2B; minus strand), PHOX2B-AS1 (PHOX2B antisense RNA 1; plus strand). Cytogenetic location: 4p13.
Variant type: single nucleotide variant.
Coding change: c.137C>G on transcript NM_003924.4 (MANE Select); coding-DNA position 137, C replaced by G.
Protein change: p.Pro46Arg; replaces proline 46 with arginine.
Molecular consequence: missense variant.
Genome position (GRCh38, 1-based): chr4:41,748,474, G>C on the plus strand (C>G on the coding strand, the complement: PHOX2B is on the minus strand). VCF-style: chr4-41748474-G-C. GRCh37 (hg19) VCF-style: chr4-41750491-G-C.
Other names: c.137C>G (NM_003924.3); short protein forms P46R.
Identifiers: ClinVar variation 1385609 (VCV001385609.7), dbSNP rs1381435898, ClinGen allele CA356740998.

ClinVar aggregate classification (germline): Uncertain significance. Review status: criteria provided, multiple submitters, no conflicts (2 of 4 stars). 2 submissions from 2 submitters: Uncertain significance (2). Last evaluated 2024-03-19.

Conditions:
Hereditary cancer-predisposing syndrome. Also called: Tumor predisposition; Neoplastic Syndromes, Hereditary; Hereditary Cancer Syndrome; Hereditary neoplastic syndrome. Identifiers: Orphanet 140162, MedGen C0027672, MeSH D009386, MONDO:0015356.
Haddad syndrome (OHD). Also called: Ondine-Hirschsprung disease. Identifiers: Orphanet 99803, MedGen C1859049, MONDO:0020493.

Submissions (2):

Ambry Genetics
Classification: Uncertain significance for Hereditary cancer-predisposing syndrome. Last evaluated: 2024-03-19. Review status: criteria provided, single submitter. Criteria: Ambry Variant Classification Scheme 2023. Collection method: clinical testing. Allele origin: germline.
Comment: The p.P46R variant (also known as c.137C>G), located in coding exon 1 of the PHOX2B gene, results from a C to G substitution at nucleotide position 137. The proline at codon 46 is replaced by arginine, an amino acid with dissimilar properties. This amino acid position is highly conserved in available vertebrate species. In addition, this alteration is predicted to be deleterious by in silico analysis. Based on the available evidence, the clinical significance of this alteration remains unclear.

Labcorp Genetics (formerly Invitae), Labcorp
Classification: Uncertain significance for Haddad syndrome. Last evaluated: 2022-06-12. Review status: criteria provided, single submitter. Criteria: Invitae Variant Classification Sherloc (09022015). Collection method: clinical testing. Allele origin: germline.
Comment: In summary, the available evidence is currently insufficient to determine the role of this variant in disease. Therefore, it has been classified as a Variant of Uncertain Significance. Algorithms developed to predict the effect of missense changes on protein structure and function (SIFT, PolyPhen-2, Align-GVGD) all suggest that this variant is likely to be disruptive. This variant has not been reported in the literature in individuals affected with PHOX2B-related conditions. This variant is not present in population databases (gnomAD no frequency). This sequence change replaces proline, which is neutral and non-polar, with arginine, which is basic and polar, at codon 46 of the PHOX2B protein (p.Pro46Arg).